The following is an entry in ClinVar:

NC_000002.11:g.(?_31805670)_(31805969_?)dup

Gene: SRD5A2 (steroid 5 alpha-reductase 2; minus strand). Cytogenetic location: 2p23.1.
Variant type: Duplication.
Identifiers: ClinVar variation 3247148 (VCV003247148.1).

ClinVar aggregate classification (germline): Uncertain significance (1 of 4 stars; one submission).

Conditions:
3-Oxo-5 alpha-steroid delta 4-dehydrogenase deficiency (PPSH). Also called: PSEUDOVAGINAL PERINEOSCROTAL HYPOSPADIAS; FAMILIAL INCOMPLETE MALE PSEUDOHERMAPHRODITISM, TYPE 2; 46,XY disorder of sex development due to 5-alpha-reductase 2 deficiency; MALE PSEUDOHERMAPHRODITISM DUE TO 5-ALPHA-REDUCTASE DEFICIENCY. Identifiers: Orphanet 753, MedGen C0268297, MONDO:0009923, OMIM 264600. Disease mechanism: loss of function.

Submission:

Labcorp Genetics (formerly Invitae), Labcorp
Classification: Uncertain significance for 3-Oxo-5 alpha-steroid delta 4-dehydrogenase deficiency. Last evaluated: 2023-12-12. Review status: criteria provided, single submitter. Criteria: Invitae Variant Classification Sherloc (09022015). Collection method: clinical testing. Allele origin: unknown.
Comment: This variant results in a copy number gain of the genomic region encompassing exon(s) 1 of the SRD5A2 gene. This region includes the initiator codon of the gene. This copy number gain extends beyond the assayed region for this gene and therefore may encompass additional genes. As the precise location of this event is unknown, it may be in tandem or it may be located elsewhere in the genome. This variant has not been reported in the literature in individuals affected with SRD5A2-related conditions. Experimental studies and prediction algorithms are not available or were not evaluated, and the functional significance of this variant is currently unknown. In summary, the available evidence is currently insufficient to determine the role of this variant in disease. Therefore, it has been classified as a Variant of Uncertain Significance.